The following is an entry in ClinVar:

ClinVar aggregate classification (germline): Uncertain significance (1 of 4 stars; one submission).

Allele frequency attached by ClinVar (database versions not stated): gnomAD 0.00001 and 0.00003; gnomAD exomes 0.00003 and 0.00007; ExAC 0.00008.
gnomAD v4.1: 53 of 1,613,908 alleles (0.0033%); highest among the groups gnomAD compares: South Asian, 0.05%; no homozygotes.

Submission:

Labcorp Genetics (formerly Invitae), Labcorp
Classification: Uncertain significance. Last evaluated: 2022-09-13. Review status: criteria provided, single submitter. Criteria: Invitae Variant Classification Sherloc (09022015). Collection method: clinical testing. Allele origin: germline.
Comment: In summary, the available evidence is currently insufficient to determine the role of this variant in disease. Therefore, it has been classified as a Variant of Uncertain Significance. Advanced modeling of protein sequence and biophysical properties (such as structural, functional, and spatial information, amino acid conservation, physicochemical variation, residue mobility, and thermodynamic stability) performed at Invitae indicates that this missense variant is not expected to disrupt P4HB protein function. This sequence change replaces arginine, which is basic and polar, with serine, which is neutral and polar, at codon 78 of the P4HB protein (p.Arg78Ser). This variant is present in population databases (rs761801875, gnomAD 0.05%), and has an allele count higher than expected for a pathogenic variant. This variant has not been reported in the literature in individuals affected with P4HB-related conditions. ClinVar contains an entry for this variant (Variation ID: 1507457).

NM_000918.4(P4HB):c.234G>C (p.Arg78Ser)

Gene: P4HB (prolyl 4-hydroxylase subunit beta; minus strand). Cytogenetic location: 17q25.3.
Variant type: single nucleotide variant.
Coding change: c.234G>C on transcript NM_000918.4 (MANE Select); coding-DNA position 234, G replaced by C.
Protein change: p.Arg78Ser; replaces arginine 78 with serine.
Molecular consequence: missense variant.
Genome position (GRCh38, 1-based): chr17:81,859,299, C>G on the plus strand (G>C on the coding strand, the complement: P4HB is on the minus strand). VCF-style: chr17-81859299-C-G. GRCh37 (hg19) VCF-style: chr17-79817175-C-G.
Other names: short protein forms R78S.
Identifiers: ClinVar variation 1507457 (VCV001507457.6), dbSNP rs761801875, ClinGen allele CA8843045.